The following is an entry in ClinVar:

ClinVar aggregate classification (germline): Conflicting classifications of pathogenicity. Review status: criteria provided, conflicting classifications (1 of 4 stars). 3 submissions from 3 submitters: Uncertain significance (2); Likely benign (1). Last evaluated 2025-05-27.

Conditions:
RDH5-related disorder. Also called: RDH5-related condition.

Allele frequency attached by ClinVar (database versions not stated): ExAC 0.00006; gnomAD 0.00007 and 0.00008; TOPMed 0.00008; gnomAD exomes 0.00010.
gnomAD v4.1: 114 of 1,613,876 alleles (0.0071%); highest among the groups gnomAD compares: Middle Eastern, 0.016%; no homozygotes.

Submissions (3):

PreventionGenetics, part of Exact Sciences
Classification: Likely benign for RDH5-related condition. Last evaluated: 2025-05-27. Review status: criteria provided, single submitter. Criteria: ACMG Guidelines, 2015. Collection method: clinical testing. Allele origin: germline.
Comment: This variant is classified as likely benign based on ACMG/AMP sequence variant interpretation guidelines (Richards et al. 2015 PMID: 25741868, with internal and published modifications).

Blueprint Genetics
Classification: Uncertain significance. Last evaluated: 2024-06-12. Review status: criteria provided, single submitter. Criteria: ACMG Guidelines, 2015. Collection method: clinical testing. Allele origin: germline.

Labcorp Genetics (formerly Invitae), Labcorp
Classification: Uncertain significance. Last evaluated: 2022-10-18. Review status: criteria provided, single submitter. Criteria: Invitae Variant Classification Sherloc (09022015). Collection method: clinical testing. Allele origin: germline.
Comment: This variant has not been reported in the literature in individuals affected with RDH5-related conditions. In summary, the available evidence is currently insufficient to determine the role of this variant in disease. Therefore, it has been classified as a Variant of Uncertain Significance. Advanced modeling of protein sequence and biophysical properties (such as structural, functional, and spatial information, amino acid conservation, physicochemical variation, residue mobility, and thermodynamic stability) performed at Invitae indicates that this missense variant is expected to disrupt RDH5 protein function. ClinVar contains an entry for this variant (Variation ID: 969675). This variant is present in population databases (rs3138143, gnomAD 0.2%). This sequence change replaces arginine, which is basic and polar, with glutamine, which is neutral and polar, at codon 21 of the RDH5 protein (p.Arg21Gln).

NM_002905.5(RDH5):c.62G>A (p.Arg21Gln)

Genes: BLOC1S1-RDH5 (BLOC1S1-RDH5 readthrough; plus strand), RDH5 (retinol dehydrogenase 5; plus strand). Cytogenetic location: 12q13.2.
Variant type: single nucleotide variant.
Coding change: c.62G>A on transcript NM_002905.5 (MANE Select); coding-DNA position 62, G replaced by A.
Protein change: p.Arg21Gln; replaces arginine 21 with glutamine.
Molecular consequence: missense variant.
Genome position (GRCh38, 1-based): chr12:55,721,246, G>A. VCF-style: chr12-55721246-G-A. GRCh37 (hg19) VCF-style: chr12-56115030-G-A.
Other names: c.62G>A, p.Arg21Gln (NM_001199771.3); short protein forms R21Q.
Identifiers: ClinVar variation 969675 (VCV000969675.8), dbSNP rs3138143, ClinGen allele CA6616736.